The following is an entry in ClinVar:

NM_004447.6(EPS8):c.1789C>T (p.Arg597Cys)

Gene: EPS8 (EGFR pathway substrate 8, signaling adaptor; minus strand). Cytogenetic location: 12p12.3.
Variant type: single nucleotide variant.
Coding change: c.1789C>T on transcript NM_004447.6 (MANE Select); coding-DNA position 1789, C replaced by T.
Protein change: p.Arg597Cys; replaces arginine 597 with cysteine.
Molecular consequence: missense variant.
Genome position (GRCh38, 1-based): chr12:15,640,735, G>A on the plus strand (C>T on the coding strand, the complement: EPS8 is on the minus strand). VCF-style: chr12-15640735-G-A. GRCh37 (hg19) VCF-style: chr12-15793669-G-A.
Other names: c.1789C>T (NM_004447.5); short protein forms R597C.
Identifiers: ClinVar variation 1390454 (VCV001390454.7), dbSNP rs754905499, ClinGen allele CA6467446.

ClinVar aggregate classification (germline): Uncertain significance. Review status: criteria provided, multiple submitters, no conflicts (2 of 4 stars). 2 submissions from 2 submitters: Uncertain significance (2). Last evaluated 2025-10-07.

Conditions:
Inborn genetic diseases. Identifiers: MedGen C0950123, MeSH D030342.

gnomAD v4.1: 11 of 1,613,738 alleles (0.00068%); highest among the groups gnomAD compares: East Asian, 0.0022%; no homozygotes.

Submissions (2):

Ambry Genetics
Classification: Uncertain significance for Inborn genetic diseases. Last evaluated: 2025-10-07. Review status: criteria provided, single submitter. Criteria: Ambry Variant Classification Scheme 2023. Collection method: clinical testing. Allele origin: germline.

Labcorp Genetics (formerly Invitae), Labcorp
Classification: Uncertain significance. Last evaluated: 2024-10-15. Review status: criteria provided, single submitter. Criteria: Invitae Variant Classification Sherloc (09022015). Collection method: clinical testing. Allele origin: germline.
Comment: This sequence change replaces arginine, which is basic and polar, with cysteine, which is neutral and slightly polar, at codon 597 of the EPS8 protein (p.Arg597Cys). This variant is present in population databases (rs754905499, gnomAD 0.005%). This variant has not been reported in the literature in individuals affected with EPS8-related conditions. ClinVar contains an entry for this variant (Variation ID: 1390454). Invitae Evidence Modeling of protein sequence and biophysical properties (such as structural, functional, and spatial information, amino acid conservation, physicochemical variation, residue mobility, and thermodynamic stability) indicates that this missense variant is expected to disrupt EPS8 protein function with a positive predictive value of 80%. In summary, the available evidence is currently insufficient to determine the role of this variant in disease. Therefore, it has been classified as a Variant of Uncertain Significance.